The following is an entry in ClinVar:

NM_130837.3(OPA1):c.852T>G (p.Tyr284Ter)

Gene: OPA1 (OPA1 mitochondrial dynamin like GTPase; plus strand). Cytogenetic location: 3q29.
Variant type: single nucleotide variant.
Coding change: c.852T>G on transcript NM_130837.3 (MANE Select); coding-DNA position 852, T replaced by G.
Protein change: p.Tyr284Ter; replaces tyrosine 284 with a stop codon.
Molecular consequence: nonsense.
Genome position (GRCh38, 1-based): chr3:193,635,426, T>G. VCF-style: chr3-193635426-T-G. GRCh37 (hg19) VCF-style: chr3-193353215-T-G.
Other names: c.318T>G, p.Tyr106Ter (NM_001354663.2); c.315T>G, p.Tyr105Ter (NM_001354664.2); c.687T>G, p.Tyr229Ter (NM_015560.3); c.579T>G, p.Tyr193Ter (NM_130831.3); c.633T>G, p.Tyr211Ter (NM_130832.3); c.690T>G, p.Tyr230Ter (NM_130833.3); c.741T>G, p.Tyr247Ter (NM_130834.3); c.744T>G, p.Tyr248Ter (NM_130835.3); and 1 more; short protein forms Y229*, Y284*, Y230*, Y247*, Y105*, Y106*, Y248*, Y193*.
Identifiers: ClinVar variation 214899 (VCV000214899.6), dbSNP rs863224128, ClinGen allele CA319863.

ClinVar aggregate classification (germline): Pathogenic. Review status: criteria provided, multiple submitters, no conflicts (2 of 4 stars). 2 submissions from 2 submitters: Pathogenic (2). Last evaluated 2024-02-24.

Submissions (2):

Labcorp Genetics (formerly Invitae), Labcorp
Classification: Pathogenic. Last evaluated: 2024-02-24. Review status: criteria provided, single submitter. Criteria: Invitae Variant Classification Sherloc (09022015). Collection method: clinical testing. Allele origin: germline.
Comment: This sequence change creates a premature translational stop signal (p.Tyr229*) in the OPA1 gene. It is expected to result in an absent or disrupted protein product. Loss-of-function variants in OPA1 are known to be pathogenic (PMID: 11440988, 20157015, 20952381, 25012220). This variant is not present in population databases (gnomAD no frequency). This variant has not been reported in the literature in individuals affected with OPA1-related conditions. ClinVar contains an entry for this variant (Variation ID: 214899). For these reasons, this variant has been classified as Pathogenic.

GeneDx
Classification: Pathogenic. Last evaluated: 2013-04-03. Review status: criteria provided, single submitter. Criteria: GeneDx Variant Classification (06012015). Collection method: clinical testing. Allele origin: germline. Affected: yes.
Comment: The Y229X nonsense mutation in the OPA1 gene is predicted to cause loss of normal protein function either through protein truncation or nonsense-mediated mRNA decay. Although this mutation has not been reported previously to our knowledge, its presence is consistent with a diagnosis of Optic Atrophy 1. The variant is found in OAPEO-MITOP panel(s).

Literature cited by the submitters: PubMed 11440988 (cited by Labcorp Genetics (formerly Invitae), Labcorp); PubMed 20157015 (cited by Labcorp Genetics (formerly Invitae), Labcorp); PubMed 20952381 (cited by Labcorp Genetics (formerly Invitae), Labcorp); PubMed 25012220 (cited by Labcorp Genetics (formerly Invitae), Labcorp).